The following is an entry in ClinVar:

ClinVar aggregate classification (germline): Uncertain significance (1 of 4 stars; one submission).

Conditions:
Hereditary cancer-predisposing syndrome. Also called: Neoplastic Syndromes, Hereditary; Hereditary Cancer Syndrome; Tumor predisposition; Hereditary neoplastic syndrome. Identifiers: Orphanet 140162, MedGen C0027672, MeSH D009386, MONDO:0015356.

Submission:

Ambry Genetics
Classification: Uncertain significance for Hereditary cancer-predisposing syndrome. Last evaluated: 2025-02-16. Review status: criteria provided, single submitter. Criteria: Ambry Variant Classification Scheme 2023. Collection method: clinical testing. Allele origin: germline.
Comment: The p.K615Q variant (also known as c.1843A>C), located in coding exon 14 of the SDHA gene, results from an A to C substitution at nucleotide position 1843. The lysine at codon 615 is replaced by glutamine, an amino acid with similar properties. This amino acid position is conserved. In addition, the in silico prediction for this alteration is inconclusive. Based on the available evidence, the clinical significance of this variant remains unclear.

NM_004168.4(SDHA):c.1843A>C (p.Lys615Gln)

Gene: SDHA (succinate dehydrogenase complex flavoprotein subunit A; plus strand). Cytogenetic location: 5p15.33.
Variant type: single nucleotide variant.
Coding change: c.1843A>C on transcript NM_004168.4 (MANE Select); coding-DNA position 1843, A replaced by C.
Protein change: p.Lys615Gln; replaces lysine 615 with glutamine.
Molecular consequence: missense variant.
Genome position (GRCh38, 1-based): chr5:254,441, A>C. VCF-style: chr5-254441-A-C. GRCh37 (hg19) VCF-style: chr5-254556-A-C.
Other names: c.1699A>C, p.Lys567Gln (NM_001294332.2); c.1600A>C, p.Lys534Gln (NM_001330758.2); short protein forms K534Q, K567Q, K615Q.
Identifiers: ClinVar variation 3793520 (VCV003793520.1).